The following is an entry in ClinVar:

ClinVar aggregate classification (germline): Uncertain significance (1 of 4 stars; one submission).

Submission:

Labcorp Genetics (formerly Invitae), Labcorp
Classification: Uncertain significance. Last evaluated: 2025-05-05. Review status: criteria provided, single submitter. Criteria: Invitae Variant Classification Sherloc (09022015). Collection method: clinical testing. Allele origin: germline.
Comment: This sequence change replaces glutamic acid, which is acidic and polar, with lysine, which is basic and polar, at codon 34 of the DSCAML1 protein (p.Glu34Lys). This variant is not present in population databases (gnomAD no frequency). This variant has not been reported in the literature in individuals affected with DSCAML1-related conditions. Experimental studies and prediction algorithms are not available or were not evaluated, and the functional significance of this variant is currently unknown. In summary, the available evidence is currently insufficient to determine the role of this variant in disease. Therefore, it has been classified as a Variant of Uncertain Significance.

NM_020693.4(DSCAML1):c.-81G>A

Gene: DSCAML1 (DS cell adhesion molecule like 1; minus strand). Cytogenetic location: 11q23.3.
Variant type: single nucleotide variant.
Coding change: c.-81G>A on transcript NM_020693.4 (MANE Select); 81 bases upstream of the start codon, G replaced by A.
Molecular consequence: 5 prime UTR variant. On other transcripts: intron variant (1).
Genome position (GRCh38, 1-based): chr11:117,797,160, C>T on the plus strand (G>A on the coding strand, the complement: DSCAML1 is on the minus strand). VCF-style: chr11-117797160-C-T. GRCh37 (hg19) VCF-style: chr11-117667875-C-T.
Other names: c.-81G>A (NM_001367904.1); c.-362-16350G>A (NM_001367905.1).
Identifiers: ClinVar variation 4718123 (VCV004718123.1).
Genomic context (GRCh38, chr11:117,797,160, plus strand): 5'-TCCGGGGAGGTGGTCCTGTGGCCGGCCGTGCGGCAGCGCCTCTCCCCCGCTCAGCGCGCT[C>T]CCAGCCGCCCGCACTCGGCGCCCCGCTCTCTCTGCTCCTCAGCCCAGCGCTCGGCTGCGG-3'